The following is an entry in ClinVar:

ClinVar aggregate classification (germline): Benign. Review status: criteria provided, multiple submitters, no conflicts (2 of 4 stars). 7 submissions from 7 submitters: Benign (7). Last evaluated 2026-01-26.

Conditions:
Autosomal dominant nonsyndromic hearing loss 4A. Also called: Deafness, autosomal dominant 4A. Identifiers: Orphanet 90635, MedGen C1833503, MONDO:0010915, OMIM 600652.

Allele frequency attached by ClinVar (database versions not stated): gnomAD exomes 0.00092 and 0.00213; ExAC 0.00414; ESP Exome Variant Server 0.00800; gnomAD 0.00816 and 0.00878; TOPMed 0.00957; 1000 Genomes Project 0.01078; 1000 Genomes Project 30x 0.01156.
gnomAD v4.1: 2,657 of 1,605,158 alleles (0.17%); highest among the groups gnomAD compares: African/African-American, 2.8%; 33 homozygotes.

Submissions (7):

Labcorp Genetics (formerly Invitae), Labcorp
Classification: Benign. Last evaluated: 2026-01-26. Review status: criteria provided, single submitter. Criteria: Invitae Variant Classification Sherloc (09022015). Collection method: clinical testing. Allele origin: germline.

Blueprint Genetics
Classification: Benign. Last evaluated: 2024-11-25. Review status: criteria provided, single submitter. Criteria: ACMG Guidelines, 2015. Collection method: clinical testing. Allele origin: germline.

Mayo Clinic Laboratories, Mayo Clinic
Classification: Benign. Last evaluated: 2021-04-02. Review status: criteria provided, single submitter. Criteria: ACMG Guidelines, 2015. Collection method: clinical testing. Allele origin: germline. Observed: 3 variant alleles.

Illumina Laboratory Services, Illumina
Classification: Benign for Autosomal dominant nonsyndromic hearing loss 4A. Last evaluated: 2018-01-13. Review status: criteria provided, single submitter. Criteria: ICSL Variant Classification Criteria 13 December 2019. Collection method: clinical testing. Allele origin: germline.
Comment: This variant was observed in the ICSL laboratory as part of a predisposition screen in an ostensibly healthy population. It had not been previously curated by ICSL or reported in the Human Gene Mutation Database (HGMD: prior to June 1st, 2018), and was therefore a candidate for classification through an automated scoring system. Utilizing variant allele frequency, disease prevalence and penetrance estimates, and inheritance mode, an automated score was calculated to assess if this variant is too frequent to cause the disease. Based on the score and internal cut-off values, a variant classified as benign is not then subjected to further curation. The score for this variant resulted in a classification of benign for this disease.

GeneDx
Classification: Benign. Last evaluated: 2018-01-12. Review status: criteria provided, single submitter. Criteria: GeneDx Variant Classification (06012015). Collection method: clinical testing. Allele origin: germline. Affected: yes.
Comment: This variant is considered likely benign or benign based on one or more of the following criteria: it is a conservative change, it occurs at a poorly conserved position in the protein, it is predicted to be benign by multiple in silico algorithms, and/or has population frequency not consistent with disease.

Laboratory for Molecular Medicine, Mass General Brigham Personalized Medicine
Classification: Benign. Last evaluated: 2012-05-07. Review status: criteria provided, single submitter. Criteria: LMM Criteria. Collection method: clinical testing. Allele origin: germline. Observed: 12 variant alleles.
Comment: "Gly1778Gly in Exon 38 of MYH14: This variant is not expected to have clinical s ignificance because it does not alter an amino acid residue, is not located with in the splice consensus sequence, and has been identified in 2.5% (87/3494) of A frican American chromosomes from a broad population by the NHLBI Exome Sequencin g Project (dbSNP rs115844649)."

Breakthrough Genomics
Classification: Benign. Review status: criteria provided, single submitter. Criteria: ACMG Guidelines, 2015. Collection method: not provided. Allele origin: germline. Inheritance: Autosomal dominant inheritance. Affected: yes.

NM_001145809.2(MYH14):c.5334T>C (p.Gly1778=)

Gene: MYH14 (myosin heavy chain 14; plus strand). Cytogenetic location: 19q13.33.
Variant type: single nucleotide variant.
Coding change: c.5334T>C on transcript NM_001145809.2 (MANE Select); coding-DNA position 5334, T replaced by C.
Protein change: p.Gly1778=; no amino-acid change (glycine 1778 retained).
Molecular consequence: synonymous variant.
Genome position (GRCh38, 1-based): chr19:50,293,310, T>C. VCF-style: chr19-50293310-T-C. GRCh37 (hg19) VCF-style: chr19-50796567-T-C.
Other names: p.Gly1737=; c.5235T>C, p.Gly1745= (NM_001077186.2); c.5211T>C, p.Gly1737= (NM_024729.4).
Identifiers: ClinVar variation 164205 (VCV000164205.19), dbSNP rs115844649, ClinGen allele CA176925.